The following is an entry in ClinVar:

NM_024675.4(PALB2):c.2896A>G (p.Ile966Val)

Gene: PALB2 (partner and localizer of BRCA2; minus strand). Cytogenetic location: 16p12.2.
Variant type: single nucleotide variant.
Coding change: c.2896A>G on transcript NM_024675.4 (MANE Select); coding-DNA position 2896, A replaced by G.
Protein change: p.Ile966Val; replaces isoleucine 966 with valine.
Molecular consequence: missense variant.
Genome position (GRCh38, 1-based): chr16:23,623,069, T>C on the plus strand (A>G on the coding strand, the complement: PALB2 is on the minus strand). VCF-style: chr16-23623069-T-C. GRCh37 (hg19) VCF-style: chr16-23634390-T-C.
Other names: short protein forms I966V.
Identifiers: ClinVar variation 188387 (VCV000188387.38), dbSNP rs786204248, ClinGen allele CA334766.

ClinVar aggregate classification (germline): Uncertain significance. Review status: criteria provided, multiple submitters, no conflicts (2 of 4 stars). 11 submissions from 11 submitters: Uncertain significance (11). Last evaluated 2025-12-29.

Conditions:
Hereditary cancer-predisposing syndrome. Also called: Hereditary Cancer Syndrome; Neoplastic Syndromes, Hereditary; Tumor predisposition; Hereditary neoplastic syndrome. Identifiers: Orphanet 140162, MedGen C0027672, MeSH D009386, MONDO:0015356.
Breast-ovarian cancer, familial, susceptibility to, 5 (BROVCA5). Identifiers: MedGen C5830615, MONDO:0957530, OMIM 620442.
Familial cancer of breast. Also called: BREAST CANCER, FAMILIAL; Hereditary breast cancer; hereditary breast carcinoma. Identifiers: Orphanet 227535, MedGen C0346153, MONDO:0016419, OMIM 114480. Disease mechanism: loss of function.
Fanconi anemia complementation group N. Also called: PALB2-Related Fanconi Anemia. Identifiers: Orphanet 84, MedGen C1835817, MONDO:0012565, OMIM 610832. Disease mechanism: loss of function.
Pancreatic cancer, susceptibility to, 3. Identifiers: Orphanet 1333, MedGen C3150547, MONDO:0013236, OMIM 613348.

Allele frequency attached by ClinVar (database versions not stated): gnomAD exomes 0.00001.
gnomAD v4.1: 15 of 1,614,148 alleles (0.00093%); highest among the groups gnomAD compares: Middle Eastern, 0.033%; no homozygotes.

Submissions (11):

Center for Genomic Medicine, Rigshospitalet, Copenhagen University Hospital
Classification: Uncertain significance. Last evaluated: 2025-12-29. Review status: criteria provided, single submitter. Criteria: ACMG Guidelines, 2015. Collection method: clinical testing. Allele origin: germline.

Ambry Genetics
Classification: Uncertain significance for Hereditary cancer-predisposing syndrome. Last evaluated: 2025-09-10. Review status: criteria provided, single submitter. Criteria: Ambry Variant Classification Scheme 2023. Collection method: clinical testing. Allele origin: germline.
Comment: The p.I966V variant (also known as c.2896A>G), located in coding exon 9 of the PALB2 gene, results from an A to G substitution at nucleotide position 2896. The isoleucine at codon 966 is replaced by valine, an amino acid with highly similar properties. In one study, this variant was reported in 2/60,466 breast cancer cases and in 0/53,461 controls (Dorling et al. N Engl J Med. 2021 02;384:428-439). However, in another study, this variant was observed in 0/818 familial breast cancer cases and 1/450 unaffected controls (Hellebrand H et al. Hum. Mutat., 2011 Jun;32:E2176-88). This alteration was also seen in 1/732 breast cancer patients, 0/189 colorectal cancer patients and 1/490 cancer-free elderly controls in a Turkish population (Akcay IM et al. Int J Cancer, 2021 Jan;148:285-295). In a BRCA2 binding assay, this alteration was found to have normal activity (Rodrigue A et al. Nucleic Acids Res, 2019 11;47:10662-10677). This amino acid position is highly conserved in available vertebrate species. In addition, this alteration is predicted to be tolerated by in silico analysis. Since supporting evidence is limited at this time, the clinical significance of this alteration remains unclear.

Color Diagnostics, LLC DBA Color Health
Classification: Uncertain significance for Hereditary cancer-predisposing syndrome. Last evaluated: 2025-03-04. Review status: criteria provided, single submitter. Criteria: ACMG Guidelines, 2015. Collection method: clinical testing. Allele origin: germline.
Comment: This missense variant replaces isoleucine with valine at codon 966 of the PALB2 protein. Computational prediction suggests that this variant may not impact protein structure and function. A functional study has shown that the variant protein is able to rescue of sensitivity to olaparib in PALB2-knockdown HeLa cells and interacts normally with BRCA2 protein in mammalian two-hybrid assay (PMID: 31586400). This variant has been detected in a breast cancer case-control meta-analysis in 2/60466 cases and 0/53461 unaffected individuals (PMID: 33471991; Leiden Open Variation Database DB-ID PALB2_010822), and it also has been reported in two individuals affected with ovarian cancer (PMID: 32546565) and breast cancer (PMID: 32658311) and in two individuals unaffected with cancer (PMID: 21618343, 32658311). This variant has been identified in 2/251462 chromosomes in the general population by the Genome Aggregation Database (gnomAD). The available evidence is insufficient to determine the role of this variant in disease conclusively. Therefore, this variant is classified as a Variant of Uncertain Significance.

Labcorp Genetics (formerly Invitae), Labcorp
Classification: Uncertain significance for Familial cancer of breast. Last evaluated: 2025-01-24. Review status: criteria provided, single submitter. Criteria: Invitae Variant Classification Sherloc (09022015). Collection method: clinical testing. Allele origin: germline.
Comment: This sequence change replaces isoleucine, which is neutral and non-polar, with valine, which is neutral and non-polar, at codon 966 of the PALB2 protein (p.Ile966Val). This variant is present in population databases (rs786204248, gnomAD 0.0009%). This missense change has been observed in individual(s) with breast or ovarian cancer (PMID: 32658311, 35610400). ClinVar contains an entry for this variant (Variation ID: 188387). Invitae Evidence Modeling of protein sequence and biophysical properties (such as structural, functional, and spatial information, amino acid conservation, physicochemical variation, residue mobility, and thermodynamic stability) indicates that this missense variant is not expected to disrupt PALB2 protein function with a negative predictive value of 80%. Experimental studies have shown that this missense change does not substantially affect PALB2 function (PMID: 31586400). In summary, the available evidence is currently insufficient to determine the role of this variant in disease. Therefore, it has been classified as a Variant of Uncertain Significance.

Institute for Biomarker Research, Medical Diagnostic Laboratories, L.L.C.
Classification: Uncertain significance for Hereditary cancer-predisposing syndrome. Last evaluated: 2024-04-09. Review status: criteria provided, single submitter. Criteria: ACMG Guidelines, 2015. Collection method: clinical testing. Allele origin: germline.

Baylor Genetics
Classification: Uncertain significance for Familial cancer of breast. Last evaluated: 2023-07-13. Review status: criteria provided, single submitter. Criteria: ACMG Guidelines, 2015. Collection method: clinical testing. Allele origin: unknown.

KCCC/NGS Laboratory, Kuwait Cancer Control Center
Classification: Uncertain significance for Breast-ovarian cancer, familial, susceptibility to, 5. Last evaluated: 2023-07-07. Review status: criteria provided, single submitter. Criteria: ACMG Guidelines, 2015. Collection method: clinical testing. Allele origin: unknown. Affected: yes.
Comment: For the PALB2 variant, the sequence change replaces isoleucine with valine at codon 966 of the PALB2 protein (p.Ile966Val). The isoleucine residue is highly conserved and there is a small physicochemical difference between isoleucine and valine. This variant is present in population databases (rs786204248, ExAC 0.0008%). This variant has not been reported in the literature in individuals with PALB2-related disease. ClinVar contains an entry for this variant (Variation ID: 188387). In-silico simulators to predict the effect of missense changes on protein structure and function showed (SIFT: “deleterious”; PolyPhen-2; “benign”). Therefore, it has been classified as a Variant of Uncertain Significance. .

GeneDx
Classification: Uncertain significance. Last evaluated: 2023-03-06. Review status: criteria provided, single submitter. Criteria: GeneDx Variant Classification Process June 2021. Collection method: clinical testing. Allele origin: germline. Affected: yes.
Comment: Published functional studies demonstrate PARPi resistance and interaction with BRCA1/BRCA2 comparable to wild type (Rodrigue et al., 2019); In silico analysis supports that this missense variant does not alter protein structure/function; Not observed at significant frequency in large population cohorts (gnomAD); This variant is associated with the following publications: (PMID: 21618343, 35089076, 24485656, 19609323, 20871615, 33471991, 32658311, 31586400)

Women's Health and Genetics/Laboratory Corporation of America, LabCorp
Classification: Uncertain significance. Last evaluated: 2023-01-06. Review status: criteria provided, single submitter. Criteria: LabCorp Variant Classification Summary - May 2015. Collection method: clinical testing. Allele origin: germline.
Comment: Variant summary: PALB2 c.2896A>G (p.Ile966Val) results in a conservative amino acid change located in the Partner and localiser of BRCA2, WD40 domain of the encoded protein sequence. Three of five in-silico tools predict a damaging effect of the variant on protein function. The variant allele was found at a frequency of 8e-06 in 251462 control chromosomes. The available data on variant occurrences in the general population are insufficient to allow any conclusion about variant significance. c.2896A>G has been reported in the literature in breast cancer cases and controls, without strong evidence for causality (Hellebrand_2011, Dorling_2021, Akcay_2021, Sahin_2022). These reports do not provide unequivocal conclusions about association of the variant with Breast Cancer. One functional study showed the mutant protein can rescue of sensitivity to olaparib in PALB2-knockdown HeLa cells and that it interacts normally with BRCA2 protein in mammalian two-hybrid assay (Rodrigue_2019). Seven clinical diagnostic laboratories have submitted clinical-significance assessments for this variant to ClinVar after 2014 without evidence for independent evaluation. All laboratories classified the variant as uncertain significance. Based on the evidence outlined above, the variant was classified as uncertain significance.

Fulgent Genetics
Classification: Uncertain significance for Familial cancer of breast; Fanconi anemia complementation group N; Pancreatic cancer, susceptibility to, 3. Last evaluated: 2022-02-13. Review status: criteria provided, single submitter. Criteria: ACMG Guidelines, 2015. Collection method: clinical testing. Allele origin: unknown.

Illumina Laboratory Services, Illumina
Classification: Uncertain significance for Fanconi anemia complementation group N. Last evaluated: 2018-01-13. Review status: criteria provided, single submitter. Criteria: ICSL Variant Classification Criteria 13 December 2019. Collection method: clinical testing. Allele origin: germline.

Literature cited by the submitters: PubMed 21618343 (cited by 3 submitters); PubMed 31586400 (cited by 4 submitters); PubMed 32658311 (cited by 4 submitters); PubMed 33471991 (cited by 3 submitters); PubMed 32546565 (cited by Color Diagnostics, LLC DBA Color Health); PubMed 35610400 (cited by Labcorp Genetics (formerly Invitae), Labcorp); PubMed 35089076 (cited by Women's Health and Genetics/Laboratory Corporation of America, LabCorp).